The following is an entry in ClinVar:

NM_201253.3(CRB1):c.104T>C (p.Leu35Pro)

Gene: CRB1 (crumbs cell polarity complex component 1; plus strand). Cytogenetic location: 1q31.3.
Variant type: single nucleotide variant.
Coding change: c.104T>C on transcript NM_201253.3 (MANE Select); coding-DNA position 104, T replaced by C.
Protein change: p.Leu35Pro; replaces leucine 35 with proline.
Molecular consequence: missense variant. On other transcripts: 5 prime UTR variant (1), non-coding transcript variant (2).
Genome position (GRCh38, 1-based): chr1:197,328,455, T>C. VCF-style: chr1-197328455-T-C. GRCh37 (hg19) VCF-style: chr1-197297585-T-C.
Other names: c.104T>C, p.Leu35Pro (NM_001193640.2, NM_001257966.2); c.-104T>C (NM_001257965.2); short protein forms L35P.
Identifiers: ClinVar variation 1699571 (VCV001699571.2), dbSNP rs1158559936, ClinGen allele CA344085029.

ClinVar aggregate classification (germline): Uncertain significance (1 of 4 stars; one submission).

Allele frequency attached by ClinVar (database versions not stated): TOPMed below 0.00001.

Submission:

GeneDx
Classification: Uncertain significance. Last evaluated: 2022-01-27. Review status: criteria provided, single submitter. Criteria: GeneDx Variant Classification Process June 2021. Collection method: clinical testing. Allele origin: germline. Affected: yes.
Comment: Not observed at significant frequency in large population cohorts (gnomAD); In silico analysis supports that this missense variant has a deleterious effect on protein structure/function; Has not been previously published as pathogenic or benign to our knowledge